The following is an entry in ClinVar:

ClinVar aggregate classification (germline): Conflicting classifications of pathogenicity. Review status: criteria provided, conflicting classifications (1 of 4 stars). 6 submissions from 6 submitters: Uncertain significance (5); Likely benign (1). Last evaluated 2025-02-17.

Conditions:
Hereditary cancer-predisposing syndrome. Also called: Hereditary neoplastic syndrome; Tumor predisposition; Neoplastic Syndromes, Hereditary; Hereditary Cancer Syndrome. Identifiers: Orphanet 140162, MedGen C0027672, MeSH D009386, MONDO:0015356.
Hereditary breast ovarian cancer syndrome. Also called: Hereditary breast and ovarian cancer; Hereditary breast and/or ovarian cancer syndrome; Hereditary breast and ovarian cancer syndrome; Hereditary breast and ovarian cancer syndrome (HBOC); Breast and ovarian cancer; BRCA1- and BRCA2-Associated Hereditary Breast and Ovarian Cancer. Identifiers: Orphanet 145, MedGen C0677776, MeSH D061325, MONDO:0003582. Disease mechanism: loss of function.
BRCA2-related cancer predisposition. Identifiers: MedGen CN377758, MONDO:0700269.

Allele frequency attached by ClinVar (database versions not stated): ExAC 0.00001; gnomAD exomes 0.00001.
gnomAD v4.1: 7 of 1,610,278 alleles (0.00043%); highest among the groups gnomAD compares: Non-Finnish European, 0.00059%; no homozygotes.

Submissions (6):

Labcorp Genetics (formerly Invitae), Labcorp
Classification: Uncertain significance for Hereditary breast ovarian cancer syndrome. Last evaluated: 2025-02-17. Review status: criteria provided, single submitter. Criteria: Invitae Variant Classification Sherloc (09022015). Collection method: clinical testing. Allele origin: germline.
Comment: This sequence change replaces glycine, which is neutral and non-polar, with valine, which is neutral and non-polar, at codon 2078 of the BRCA2 protein (p.Gly2078Val). This variant is present in population databases (rs769883812, gnomAD 0.003%). This variant has not been reported in the literature in individuals affected with BRCA2-related conditions. ClinVar contains an entry for this variant (Variation ID: 421039). Invitae Evidence Modeling of protein sequence and biophysical properties (such as structural, functional, and spatial information, amino acid conservation, physicochemical variation, residue mobility, and thermodynamic stability) indicates that this missense variant is not expected to disrupt BRCA2 protein function with a negative predictive value of 95%. In summary, the available evidence is currently insufficient to determine the role of this variant in disease. Therefore, it has been classified as a Variant of Uncertain Significance.

Ambry Genetics
Classification: Uncertain significance for Hereditary cancer-predisposing syndrome. Last evaluated: 2024-08-22. Review status: criteria provided, single submitter. Criteria: Ambry Variant Classification Scheme 2023. Collection method: clinical testing. Allele origin: germline.
Comment: The p.G2078V variant (also known as c.6233G>T), located in coding exon 10 of the BRCA2 gene, results from a G to T substitution at nucleotide position 6233. The glycine at codon 2078 is replaced by valine, an amino acid with dissimilar properties. This amino acid position is not well conserved in available vertebrate species. In addition, the in silico prediction for this alteration is inconclusive. Based on the available evidence, the clinical significance of this variant remains unclear.

All of Us Research Program, National Institutes of Health
Classification: Uncertain significance for BRCA2-related cancer predisposition. Last evaluated: 2024-05-14. Review status: criteria provided, single submitter. Criteria: ACMG Guidelines, 2015. Collection method: clinical testing. Allele origin: germline. Inheritance: Autosomal dominant inheritance. Observed: 1 variant allele, 1 heterozygote.
Comment: This missense variant replaces glycine with valine at codon 2078 of the BRCA2 protein. Computational prediction is inconclusive regarding the impact of this variant on protein structure and function (internally defined REVEL score threshold 0.5 < inconclusive < 0.7, PMID: 27666373). Splice site prediction tools suggest that this variant may not impact RNA splicing. To our knowledge, functional studies have not been performed for this variant. This variant has not been reported in individuals affected with hereditary cancer in the literature. This variant has been identified in 3/248494 chromosomes in the general population by the Genome Aggregation Database (gnomAD). The available evidence is insufficient to determine the role of this variant in disease conclusively. Therefore, this variant is classified as a Variant of Uncertain Significance.

This study involves interpretation of variants in research participants for the purpose of population health screening. Participant phenotype was not available at the time of variant classification. Additional details can be found in publication PMID: 35346344, PMCID: PMC8962531

Color Diagnostics, LLC DBA Color Health
Classification: Uncertain significance for Hereditary cancer-predisposing syndrome. Last evaluated: 2024-04-24. Review status: criteria provided, single submitter. Criteria: ACMG Guidelines, 2015. Collection method: clinical testing. Allele origin: germline.
Comment: This missense variant replaces glycine with valine at codon 2078 of the BRCA2 protein. Computational prediction is inconclusive regarding the impact of this variant on protein structure and function. To our knowledge, functional studies have not been reported for this variant. This variant has not been reported in individuals affected with BRCA2-related cancer in the literature, but it has been reported in unaffected individuals (PMID: 30287823, 31214711, 32980694). This variant has been identified in 3/248494 chromosomes in the general population by the Genome Aggregation Database (gnomAD). The available evidence is insufficient to determine the role of this variant in disease conclusively. Therefore, this variant is classified as a Variant of Uncertain Significance.

University of Washington Department of Laboratory Medicine, University of Washington
Classification: Likely benign for Hereditary cancer-predisposing syndrome. Last evaluated: 2023-03-23. Review status: criteria provided, single submitter. Criteria: Dines et al. (Genet Med. 2020). Collection method: curation. Allele origin: germline.
Comment: Missense variant in a coldspot region where missense variants are very unlikely to be pathogenic (PMID:31911673).

BRCA2 exon 11 coldspot. Reclassification based on statistical prior probability.

GeneDx
Classification: Uncertain significance. Last evaluated: 2016-04-28. Review status: criteria provided, single submitter. Criteria: GeneDx Variant Classification (06012015). Collection method: clinical testing. Allele origin: germline. Affected: yes.
Comment: This variant is denoted BRCA2 c.6233G>T at the cDNA level, p.Gly2078Val (G2078V) at the protein level, and results in the change of a Glycine to a Valine (GGA>GTA). Using alternate nomenclature, this variant would be defined as BRCA2 6461G>T. This variant has not, to our knowledge, been published in the literature as pathogenic or benign. BRCA2 Gly2078Val was not observed in approximately 6,500 individuals of European and African American ancestry in the NHLBI Exome Sequencing Project, suggesting it is not a common benign variant in these populations. Since Glycine and Valine share similar properties, this is considered a conservative amino acid substitution. BRCA2 Gly2078Val occurs at a position that is conserved in mammals and is located within the BRC8 domain and the RAD51 binding domain (Cole 2011, Roy 2012). In silico analyses predict that this variant is probably damaging to protein structure and function, and multiple splicing models predict that this variant may create a cryptic splice donor site for exon 11 and lead to abnormal splicing. However, in the absence of RNA or functional studies, the actual effect of this variant is unknown. Based on currently available evidence, it is unclear whether BRCA2 Gly2078Val is a pathogenic or benign variant. We consider it to be a variant of uncertain significance.

Literature cited by the submitters: PubMed 30287823 (cited by Ambry Genetics and Color Diagnostics, LLC DBA Color Health); PubMed 33471991 (cited by Ambry Genetics); PubMed 31214711 (cited by Color Diagnostics, LLC DBA Color Health); PubMed 32980694 (cited by Color Diagnostics, LLC DBA Color Health).

NM_000059.4(BRCA2):c.6233G>T (p.Gly2078Val)

Gene: BRCA2 (BRCA2 DNA repair associated; plus strand). Cytogenetic location: 13q13.1.
Variant type: single nucleotide variant.
Coding change: c.6233G>T on transcript NM_000059.4 (MANE Select); coding-DNA position 6233, G replaced by T.
Protein change: p.Gly2078Val; replaces glycine 2078 with valine.
Molecular consequence: missense variant.
Genome position (GRCh38, 1-based): chr13:32,340,588, G>T. VCF-style: chr13-32340588-G-T. GRCh37 (hg19) VCF-style: chr13-32914725-G-T.
Other names: short protein forms G2078V.
Identifiers: ClinVar variation 421039 (VCV000421039.20), dbSNP rs769883812, ClinGen allele CA6940938.